The following is an entry in ClinVar:

ClinVar aggregate classification (germline): Pathogenic (1 of 4 stars; one submission).

Conditions:
Multiple gastrointestinal atresias. Also called: FAMILIAL INTESTINAL POLYATRESIA SYNDROME; Multiple intestinal atresia. Identifiers: Orphanet 2300, MedGen C0220744, MONDO:0009465.

gnomAD v4.1: 3 of 1,614,148 alleles (0.00019%); highest among the groups gnomAD compares: Non-Finnish European, 0.00025%; no homozygotes.

Submission:

Labcorp Genetics (formerly Invitae), Labcorp
Classification: Pathogenic for Multiple gastrointestinal atresias. Last evaluated: 2025-04-20. Review status: criteria provided, single submitter. Criteria: Invitae Variant Classification Sherloc (09022015). Collection method: clinical testing. Allele origin: germline.
Comment: This sequence change creates a premature translational stop signal (p.Gln611*) in the TTC7A gene. It is expected to result in an absent or disrupted protein product. Loss-of-function variants in TTC7A are known to be pathogenic (PMID: 23830146, 24292712). This variant is not present in population databases (gnomAD no frequency). This variant has not been reported in the literature in individuals affected with TTC7A-related conditions. For these reasons, this variant has been classified as Pathogenic.

Literature cited by the submitters: PubMed 23830146; PubMed 24292712.

NM_020458.4(TTC7A):c.1831C>T (p.Gln611Ter)

Gene: TTC7A (tetratricopeptide repeat domain 7A; plus strand). Cytogenetic location: 2p21.
Variant type: single nucleotide variant.
Coding change: c.1831C>T on transcript NM_020458.4 (MANE Select); coding-DNA position 1831, C replaced by T.
Protein change: p.Gln611Ter; replaces glutamine 611 with a stop codon.
Molecular consequence: nonsense.
Genome position (GRCh38, 1-based): chr2:47,046,343, C>T. VCF-style: chr2-47046343-C-T. GRCh37 (hg19) VCF-style: chr2-47273482-C-T.
Other names: c.1831C>T, p.Gln611Ter (NM_001288951.2); c.1729C>T, p.Gln577Ter (NM_001288953.2); c.769C>T, p.Gln257Ter (NM_001288955.2); short protein forms Q257*, Q577*, Q611*.
Identifiers: ClinVar variation 4809548 (VCV004809548.1).